The following is an entry in ClinVar:

ClinVar aggregate classification (germline): Uncertain significance (1 of 4 stars; one submission).

Submission:

Labcorp Genetics (formerly Invitae), Labcorp
Classification: Uncertain significance. Last evaluated: 2024-02-26. Review status: criteria provided, single submitter. Criteria: Invitae Variant Classification Sherloc (09022015). Collection method: clinical testing. Allele origin: germline.
Comment: This sequence change replaces glutamic acid, which is acidic and polar, with alanine, which is neutral and non-polar, at codon 659 of the CCDC88A protein (p.Glu659Ala). This variant is not present in population databases (gnomAD no frequency). This variant has not been reported in the literature in individuals affected with CCDC88A-related conditions. An algorithm developed to predict the effect of missense changes on protein structure and function (PolyPhen-2) suggests that this variant is likely to be tolerated. In summary, the available evidence is currently insufficient to determine the role of this variant in disease. Therefore, it has been classified as a Variant of Uncertain Significance.

NM_001365480.1(CCDC88A):c.1976A>C (p.Glu659Ala)

Gene: CCDC88A (coiled-coil and HOOK domain protein 88A; minus strand). Cytogenetic location: 2p16.1.
Variant type: single nucleotide variant.
Coding change: c.1976A>C on transcript NM_001365480.1 (MANE Select); coding-DNA position 1976, A replaced by C.
Protein change: p.Glu659Ala; replaces glutamic acid 659 with alanine.
Molecular consequence: missense variant.
Genome position (GRCh38, 1-based): chr2:55,334,845, T>G on the plus strand (A>C on the coding strand, the complement: CCDC88A is on the minus strand). VCF-style: chr2-55334845-T-G. GRCh37 (hg19) VCF-style: chr2-55561981-T-G.
Other names: c.1976A>C, p.Glu659Ala (NM_001135597.2, NM_001254943.2, NM_018084.5); short protein forms E659A.
Identifiers: ClinVar variation 2735955 (VCV002735955.3), dbSNP rs1685297435, ClinGen allele CA346901335.
Genomic context (GRCh38, chr2:55,334,845, plus strand): 5'-AATGTTTTTTTTAATTTTCTATTTTCTCTTTCTAGCTCTGAATTTTCTTGTTCTAAGGCC[T>G]CAATTTTTTCACAAGTAATTTTTAAATTAGTTATTTTTTTCTGTAATAATTCATTTTCTT-3'
Protein context (NP_001352409.1, residues 649-669): TNLKITCEKI[Glu659Ala]ALEQENSELE